The following is an entry in ClinVar:

NM_001009999.3(KDM1A):c.2389T>C (p.Tyr797His)

Gene: KDM1A (lysine demethylase 1A; plus strand). Cytogenetic location: 1p36.12.
Variant type: single nucleotide variant.
Coding change: c.2389T>C on transcript NM_001009999.3 (MANE Select); coding-DNA position 2389, T replaced by C.
Protein change: p.Tyr797His; replaces tyrosine 797 with histidine.
Molecular consequence: missense variant.
Genome position (GRCh38, 1-based): chr1:23,082,310, T>C. VCF-style: chr1-23082310-T-C. GRCh37 (hg19) VCF-style: chr1-23408803-T-C.
Other names: c.2335T>C, p.Tyr779His (NM_001363654.2); c.2395T>C, p.Tyr799His (NM_001410762.1); c.2317T>C, p.Tyr773His (NM_001410763.1, NM_015013.4); short protein forms Y799H, Y797H, Y773H, Y779H.
Identifiers: ClinVar variation 3863341 (VCV003863341.1).

ClinVar aggregate classification (germline): Uncertain significance (1 of 4 stars; one submission).

Conditions:
Inborn genetic diseases. Identifiers: MedGen C0950123, MeSH D030342.

Submission:

Ambry Genetics
Classification: Uncertain significance for Inborn genetic diseases. Last evaluated: 2025-02-22. Review status: criteria provided, single submitter. Criteria: Ambry Variant Classification Scheme 2023. Collection method: clinical testing. Allele origin: germline.
Comment: The p.Y797H variant (also known as c.2389T>C), located in coding exon 20 of the KDM1A gene, results from a T to C substitution at nucleotide position 2389. The tyrosine at codon 797 is replaced by histidine, an amino acid with similar properties. This amino acid position is conserved. In addition, this alteration is predicted to be deleterious by in silico analysis. Based on the available evidence, the clinical significance of this variant remains unclear.